The following is an entry in ClinVar:

NM_007294.4(BRCA1):c.828A>G (p.Thr276=)

Gene: BRCA1 (BRCA1 DNA repair associated; minus strand). Cytogenetic location: 17q21.31.
Variant type: single nucleotide variant.
Coding change: c.828A>G on transcript NM_007294.4 (MANE Select); coding-DNA position 828, A replaced by G.
Protein change: p.Thr276=; no amino-acid change (threonine 276 retained).
Molecular consequence: synonymous variant. On other transcripts: 5 prime UTR variant (2), intron variant (137).
Genome position (GRCh38, 1-based): chr17:43,094,703, T>C on the plus strand (A>G on the coding strand, the complement: BRCA1 is on the minus strand). VCF-style: chr17-43094703-T-C. GRCh37 (hg19) VCF-style: chr17-41246720-T-C.
Other names: c.618A>G, p.Thr206= (NM_001407908.1, NM_001407909.1, NM_001407910.1 and 13 more transcripts); c.615A>G, p.Thr205= (NM_001407915.1, NM_001407916.1, NM_001407917.1 and 9 more transcripts); c.705A>G, p.Thr235= (NM_001407919.1, NM_001407937.1, NM_001407938.1 and 19 more transcripts); c.564A>G, p.Thr188= (NM_001407920.1, NM_001407921.1, NM_001407922.1 and 9 more transcripts); c.561A>G, p.Thr187= (NM_001407930.1, NM_001407931.1, NM_001407932.1 and 2 more transcripts); c.702A>G, p.Thr234= (NM_001407940.1, NM_001407941.1, NM_001407649.1 and 11 more transcripts); c.687A>G, p.Thr229= (NM_001407942.1, NM_001407944.1, NM_001407945.1 and 29 more transcripts); c.684A>G, p.Thr228= (NM_001407943.1, NM_001407964.1, NM_001407740.1 and 20 more transcripts); and 40 more.
Identifiers: ClinVar variation 184319 (VCV000184319.37), dbSNP rs186274774, ClinGen allele CA003926.
Genomic context (GRCh38, chr17:43,094,703, plus strand): 5'-TCTGTCTTTAGTGAGTAATAAACTGCTGTTCTCATGCTGTAATGAGCTGGCATGAGTATT[T>C]GTGCCACATGGCTCCACATGCAAGTTTGAAACAGAACTACCCTGATACTTTTCTGGATGC-3'
Protein context (NP_009225.1, residues 266-286): VSNLHVEPCG[Thr276=]NTHASSLQHE

ClinVar aggregate classification (germline): Likely benign. Review status: reviewed by expert panel (3 of 4 stars). 12 submissions from 12 submitters: Likely benign (1). 11 of the submissions do not count toward it. Last evaluated 2017-06-29.

Conditions:
Hereditary cancer-predisposing syndrome. Also called: Hereditary Cancer Syndrome; Hereditary neoplastic syndrome; Tumor predisposition; Neoplastic Syndromes, Hereditary. Identifiers: Orphanet 140162, MedGen C0027672, MeSH D009386, MONDO:0015356.
Hereditary breast ovarian cancer syndrome. Also called: Hereditary breast and ovarian cancer syndrome; Hereditary breast and ovarian cancer syndrome (HBOC); BRCA1- and BRCA2-Associated Hereditary Breast and Ovarian Cancer; Breast and ovarian cancer; Hereditary breast and ovarian cancer; Hereditary breast and/or ovarian cancer syndrome. Identifiers: Orphanet 145, MedGen C0677776, MeSH D061325, MONDO:0003582. Disease mechanism: loss of function.
Familial cancer of breast. Also called: BREAST CANCER, FAMILIAL; Hereditary breast cancer; hereditary breast carcinoma. Identifiers: Orphanet 227535, MedGen C0346153, MONDO:0016419, OMIM 114480. Disease mechanism: loss of function.
Fanconi anemia, complementation group S (FANCS). Identifiers: MedGen C4554406, MONDO:0054748, OMIM 617883.
Breast-ovarian cancer, familial, susceptibility to, 1 (BROVCA1). Also called: OVARIAN CANCER, SUSCEPTIBILITY TO; BRCA1 Hereditary Breast and Ovarian Cancer. Identifiers: Orphanet 145, MedGen C2676676, MONDO:0011450, OMIM 604370. Disease mechanism: loss of function.

Allele frequency attached by ClinVar (database versions not stated): ExAC 0.00001; gnomAD exomes 0.00001 and 0.00002; TOPMed 0.00015; 1000 Genomes Project 30x 0.00016; gnomAD 0.00019; 1000 Genomes Project 0.00020.
gnomAD v4.1: 45 of 1,612,746 alleles (0.0028%); highest among the groups gnomAD compares: African/African-American, 0.057%; no homozygotes.

Submissions (12):

Evidence-based Network for the Interpretation of Germline Mutant Alleles (ENIGMA)
Classification: Likely benign for Breast-ovarian cancer, familial, susceptibility to, 1. Last evaluated: 2017-06-29. Review status: reviewed by expert panel. Criteria: ENIGMA BRCA1/2 Classification Criteria (2017-06-29). Collection method: curation. Allele origin: germline.
Comment: Synonymous substitution variant, with low bioinformatic likelihood to result in a splicing aberration (Splicing prior probability 0.02).

Labcorp Genetics (formerly Invitae), Labcorp
Classification: Likely benign for Hereditary breast ovarian cancer syndrome. Last evaluated: 2026-02-04. Review status: criteria provided, single submitter. Criteria: Invitae Variant Classification Sherloc (09022015). Collection method: clinical testing. Allele origin: germline. Not counted in ClinVar's aggregate classification.

Center for Genomic Medicine, Rigshospitalet, Copenhagen University Hospital
Classification: Likely benign. Last evaluated: 2025-03-04. Review status: criteria provided, single submitter. Criteria: ACMG Guidelines, 2015. Collection method: clinical testing. Allele origin: germline. Not counted in ClinVar's aggregate classification.

Department of Pathology and Laboratory Medicine, Sinai Health System
Classification: Benign for Familial cancer of breast; Breast-ovarian cancer, familial, susceptibility to, 1; Fanconi anemia, complementation group S. Last evaluated: 2024-02-20. Review status: criteria provided, single submitter. Criteria: ACMG Guidelines, 2015. Collection method: clinical testing. Allele origin: germline. Affected: yes. Not counted in ClinVar's aggregate classification.

Quest Diagnostics Nichols Institute San Juan Capistrano
Classification: Likely benign. Last evaluated: 2023-07-20. Review status: criteria provided, single submitter. Criteria: Quest Diagnostics criteria. Collection method: clinical testing. Allele origin: unknown. Not counted in ClinVar's aggregate classification.

Blueprint Genetics
Classification: Likely benign. Last evaluated: 2023-06-14. Review status: criteria provided, single submitter. Criteria: ACMG Guidelines, 2015. Collection method: clinical testing. Allele origin: germline. Not counted in ClinVar's aggregate classification.

Sema4
Classification: Likely benign for Hereditary cancer-predisposing syndrome. Last evaluated: 2020-12-10. Review status: criteria provided, single submitter. Criteria: Sema4 Curation Guidelines. Collection method: curation. Allele origin: germline. Not counted in ClinVar's aggregate classification.

Women's Health and Genetics/Laboratory Corporation of America, LabCorp
Classification: Likely benign. Last evaluated: 2020-06-08. Review status: criteria provided, single submitter. Criteria: LabCorp Variant Classification Summary - May 2015. Collection method: clinical testing. Allele origin: germline. Not counted in ClinVar's aggregate classification.

Baylor Genetics
Classification: Benign for Familial cancer of breast. Last evaluated: 2017-02-23. Review status: criteria provided, single submitter. Criteria: ACMG Guidelines, 2015. Collection method: clinical testing. Allele origin: germline. Inheritance: Autosomal dominant inheritance. Affected: no. Not counted in ClinVar's aggregate classification.

Color Diagnostics, LLC DBA Color Health
Classification: Likely benign for Hereditary cancer-predisposing syndrome. Last evaluated: 2016-04-20. Review status: criteria provided, single submitter. Criteria: ACMG Guidelines, 2015. Collection method: clinical testing. Allele origin: germline. Not counted in ClinVar's aggregate classification.

GeneDx
Classification: Benign. Last evaluated: 2015-03-03. Review status: criteria provided, single submitter. Criteria: GeneDx Variant Classification Process June 2021. Collection method: clinical testing. Allele origin: germline. Affected: yes. Not counted in ClinVar's aggregate classification.

Ambry Genetics
Classification: Likely benign for Hereditary cancer-predisposing syndrome. Last evaluated: 2015-01-28. Review status: criteria provided, single submitter. Criteria: Ambry Variant Classification Scheme 2023. Collection method: clinical testing. Allele origin: germline. Not counted in ClinVar's aggregate classification.

Literature cited by the submitters: PubMed 22615956 (cited by 3 submitters); PubMed 16267036 (cited by Quest Diagnostics Nichols Institute San Juan Capistrano and Women's Health and Genetics/Laboratory Corporation of America, LabCorp).